The following is an entry in ClinVar:

ClinVar aggregate classification (germline): Uncertain significance (1 of 4 stars; one submission).

Submission:

CeGaT Center for Human Genetics Tuebingen
Classification: Uncertain significance. Last evaluated: 2023-02-01. Review status: criteria provided, single submitter. Criteria: CeGaT Center For Human Genetics Tuebingen Variant Classification Criteria Version 2. Collection method: clinical testing. Allele origin: germline. Affected: yes. Observed: 1 variant allele.
Comment: UBA1: PM2

NM_003334.4(UBA1):c.1950T>A (p.Asp650Glu)

Gene: UBA1 (ubiquitin like modifier activating enzyme 1; plus strand). Cytogenetic location: Xp11.3.
Variant type: single nucleotide variant.
Coding change: c.1950T>A on transcript NM_003334.4 (MANE Select); coding-DNA position 1950, T replaced by A.
Protein change: p.Asp650Glu; replaces aspartic acid 650 with glutamic acid.
Molecular consequence: missense variant.
Genome position (GRCh38, 1-based): chrX:47,209,634, T>A. VCF-style: chrX-47209634-T-A. GRCh37 (hg19) VCF-style: chrX-47069033-T-A.
Other names: c.1950T>A, p.Asp650Glu (NM_153280.3); short protein forms D650E.
Identifiers: ClinVar variation 2660406 (VCV002660406.24), dbSNP rs2521593706, ClinGen allele CA412805972.